The following is an entry in ClinVar:

NM_001366057.1(OTUD4):c.463A>G (p.Ile155Val)

Gene: OTUD4 (OTU deubiquitinase 4; minus strand). Cytogenetic location: 4q31.21.
Variant type: single nucleotide variant.
Coding change: c.463A>G on transcript NM_001366057.1 (MANE Select); coding-DNA position 463, A replaced by G.
Protein change: p.Ile155Val; replaces isoleucine 155 with valine.
Molecular consequence: missense variant.
Genome position (GRCh38, 1-based): chr4:145,162,673, T>C on the plus strand (A>G on the coding strand, the complement: OTUD4 is on the minus strand). VCF-style: chr4-145162673-T-C. GRCh37 (hg19) VCF-style: chr4-146083825-T-C.
Other names: c.268A>G, p.Ile90Val (NM_001102653.1, NM_017493.7); c.463A>G, p.Ile155Val (NM_001366058.1); short protein forms I155V, I90V.
Identifiers: ClinVar variation 3777864 (VCV003777864.7).

ClinVar aggregate classification (germline): Uncertain significance (1 of 4 stars; one submission).

Submission:

CeGaT Center for Human Genetics Tuebingen
Classification: Uncertain significance. Last evaluated: 2025-03-01. Review status: criteria provided, single submitter. Criteria: CeGaT Center For Human Genetics Tuebingen Variant Classification Criteria Version 2. Collection method: clinical testing. Allele origin: germline. Affected: yes. Observed: 1 variant allele.
Comment: OTUD4: PM2, BP4